The following is an entry in ClinVar:

NM_014679.5(CEP57):c.755G>T (p.Cys252Phe)

Gene: CEP57 (centrosomal protein 57; plus strand). Cytogenetic location: 11q21.
Variant type: single nucleotide variant.
Coding change: c.755G>T on transcript NM_014679.5 (MANE Select); coding-DNA position 755, G replaced by T.
Protein change: p.Cys252Phe; replaces cysteine 252 with phenylalanine.
Molecular consequence: missense variant.
Genome position (GRCh38, 1-based): chr11:95,821,926, G>T. VCF-style: chr11-95821926-G-T. GRCh37 (hg19) VCF-style: chr11-95555090-G-T.
Other names: c.728G>T, p.Cys243Phe (NM_001243776.2); c.755G>T, p.Cys252Phe (NM_001243777.2); c.674G>T, p.Cys225Phe (NM_001363604.2); short protein forms C225F, C243F, C252F.
Identifiers: ClinVar variation 2191915 (VCV002191915.4), dbSNP rs1322393368, ClinGen allele CA382405206.

ClinVar aggregate classification (germline): Uncertain significance (1 of 4 stars; one submission).

Conditions:
Mosaic variegated aneuploidy syndrome 2 (MVA2). Identifiers: Orphanet 1052, MedGen C3279843, MONDO:0013582, OMIM 614114.

Submission:

Labcorp Genetics (formerly Invitae), Labcorp
Classification: Uncertain significance for Mosaic variegated aneuploidy syndrome 2. Last evaluated: 2021-12-23. Review status: criteria provided, single submitter. Criteria: Invitae Variant Classification Sherloc (09022015). Collection method: clinical testing. Allele origin: germline.
Comment: This sequence change replaces cysteine, which is neutral and slightly polar, with phenylalanine, which is neutral and non-polar, at codon 252 of the CEP57 protein (p.Cys252Phe). In summary, the available evidence is currently insufficient to determine the role of this variant in disease. Therefore, it has been classified as a Variant of Uncertain Significance. Algorithms developed to predict the effect of missense changes on protein structure and function (SIFT, PolyPhen-2, Align-GVGD) all suggest that this variant is likely to be tolerated. This variant has not been reported in the literature in individuals affected with CEP57-related conditions. This variant is not present in population databases (gnomAD no frequency).